The following is an entry in ClinVar:

ClinVar aggregate classification (germline): Likely pathogenic (0 of 4 stars; one submission).

Conditions:
Griscelli syndrome type 2 (GS2). Also called: GRISCELLI SYNDROME WITH HEMOPHAGOCYTIC SYNDROME; PAID SYNDROME; PARTIAL ALBINISM AND IMMUNODEFICIENCY SYNDROME. Identifiers: Orphanet 381, Orphanet 79477, MedGen C1868679, MONDO:0011872, OMIM 607624.

Submission:

Department of Pediatrics, Hirosaki University Graduate School of Medicine
Classification: Likely pathogenic for Griscelli syndrome type 2. Last evaluated: 2026-04-02. Review status: no assertion criteria provided. Collection method: clinical testing. Allele origin: germline. Inheritance: Autosomal recessive inheritance. Affected: yes.
Comment: The variant is absent or extremely rare in population databases and is consistent with a loss-of-function mechanism in RAB27A. These findings support a likely pathogenic classification.

NM_183235.3(RAB27A):c.315_316del (p.Ser106fs)

Gene: RAB27A (RAB27A, member RAS oncogene family; minus strand). Cytogenetic location: 15q21.3.
Variant type: Deletion.
Coding change: c.315_316del on transcript NM_183235.3 (MANE Select); coding-DNA positions 315 to 316, 2 bases deleted (AA; older notation c.315_316delAA).
Protein change: p.Ser106fs; shifts the reading frame from serine 106.
Molecular consequence: frameshift variant.
Genome position (GRCh38, 1-based): chr15:55,228,636-55,228,637, TT deleted on the plus strand (AA on the coding strand, the reverse complement: RAB27A is on the minus strand); deleting any 2 consecutive bases within chr15:55,228,636-55,228,638 gives the same sequence; the c. name uses the placement nearest the transcript's 3' end. VCF-style (leftmost placement, unchanged base first): chr15-55228635-CTT-C. GRCh37 (hg19) VCF-style: chr15-55520833-CTT-C.
Other names: c.315_316del, p.Ser106fs (NM_001438970.1, NM_001438972.1, NM_001438973.1 and 11 more transcripts); short protein forms S106fs.
Identifiers: ClinVar variation 4819419 (VCV004819419.1).